The following is an entry in ClinVar:

ClinVar aggregate classification (germline): Pathogenic/Likely pathogenic. Review status: criteria provided, multiple submitters, no conflicts (2 of 4 stars). 2 submissions from 2 submitters: Pathogenic (1); Likely pathogenic (1). Last evaluated 2025-09-02.

Conditions:
NDP-related disorders.

gnomAD v4.1: 1 of 1,203,778 alleles (0.000083%); no homozygotes.

Submissions (2):

Labcorp Genetics (formerly Invitae), Labcorp
Classification: Pathogenic. Last evaluated: 2025-09-02. Review status: criteria provided, single submitter. Criteria: Invitae Variant Classification Sherloc (09022015). Collection method: clinical testing. Allele origin: germline.
Comment: This sequence change replaces glutamic acid, which is acidic and polar, with lysine, which is basic and polar, at codon 66 of the NDP protein (p.Glu66Lys). This variant is not present in population databases (gnomAD no frequency). This missense change has been observed in individual(s) with exudative vitreoretinopathy and/or Norrie disease (PMID: 19373682, 29181528, 36729443, 38280677; internal data). ClinVar contains an entry for this variant (Variation ID: 1511645). Invitae Evidence Modeling of protein sequence and biophysical properties (such as structural, functional, and spatial information, amino acid conservation, physicochemical variation, residue mobility, and thermodynamic stability) has been performed for this missense variant. However, the output from this modeling did not meet the statistical confidence thresholds required to predict the impact of this variant on NDP protein function. For these reasons, this variant has been classified as Pathogenic.

Blueprint Genetics
Classification: Likely pathogenic for NDP-related disorders. Last evaluated: 2023-08-18. Review status: criteria provided, single submitter. Criteria: ACMG Guidelines, 2015. Collection method: clinical testing. Allele origin: germline. Affected: yes. Observed: 2 variant alleles.

Literature cited by the submitters: PubMed 19373682 (cited by Labcorp Genetics (formerly Invitae), Labcorp); PubMed 29181528 (cited by Labcorp Genetics (formerly Invitae), Labcorp); PubMed 36729443 (cited by Labcorp Genetics (formerly Invitae), Labcorp); PubMed 38280677 (cited by Labcorp Genetics (formerly Invitae), Labcorp).

NM_000266.4(NDP):c.196G>A (p.Glu66Lys)

Genes: NDP (norrin cystine knot growth factor NDP; minus strand), NDP-AS1 (NDP antisense RNA 1; plus strand). Cytogenetic location: Xp11.3.
Variant type: single nucleotide variant.
Coding change: c.196G>A on transcript NM_000266.4 (MANE Select); coding-DNA position 196, G replaced by A.
Protein change: p.Glu66Lys; replaces glutamic acid 66 with lysine.
Molecular consequence: missense variant. On other transcripts: non-coding transcript variant (1).
Genome position (GRCh38, 1-based): chrX:43,950,005, C>T on the plus strand (G>A on the coding strand, the complement: NDP is on the minus strand). VCF-style: chrX-43950005-C-T. GRCh37 (hg19) VCF-style: chrX-43809251-C-T.
Other names: short protein forms E66K.
Identifiers: ClinVar variation 1511645 (VCV001511645.7), dbSNP rs2147204856, ClinGen allele CA413007994.
Genomic context (GRCh38, chrX:43,950,005, plus strand): 5'-TGAGGACAGTGCTGAACGACACCAAAGGCTCGGAGCGTGACGCCTGGCTGCAGTGCCCCT[C>T]GCACCTGGCCAGGAGCACCATCTGGGGAAAGAAAAGGAGGTGGTTACTCTGTGGGCATGC-3'
Protein context (NP_000257.1, residues 56-76): SSKMVLLARC[Glu66Lys]GHCSQASRSE